The following is an entry in ClinVar:

ClinVar aggregate classification (germline): Uncertain significance (1 of 4 stars; one submission).

Submission:

GeneDx
Classification: Uncertain significance. Last evaluated: 2023-02-02. Review status: criteria provided, single submitter. Criteria: GeneDx Variant Classification Process June 2021. Collection method: clinical testing. Allele origin: germline. Affected: yes.
Comment: Not observed at significant frequency in large population cohorts (gnomAD); In silico analysis supports that this missense variant does not alter protein structure/function; Has not been previously published as pathogenic or benign to our knowledge

NM_181332.3(NLGN4X):c.964A>G (p.Asn322Asp)

Gene: NLGN4X (neuroligin 4 X-linked; minus strand). Cytogenetic location: Xp22.32.
Variant type: single nucleotide variant.
Coding change: c.964A>G on transcript NM_181332.3 (MANE Select); coding-DNA position 964, A replaced by G.
Protein change: p.Asn322Asp; replaces asparagine 322 with aspartic acid.
Molecular consequence: missense variant.
Genome position (GRCh38, 1-based): chrX:5,903,714, T>C on the plus strand (A>G on the coding strand, the complement: NLGN4X is on the minus strand). VCF-style: chrX-5903714-T-C. GRCh37 (hg19) VCF-style: chrX-5821755-T-C.
Other names: c.964A>G, p.Asn322Asp (NM_001282146.2, NM_020742.4, NM_001282145.2); short protein forms N322D.
Identifiers: ClinVar variation 2574995 (VCV002574995.1), dbSNP rs2518449257, ClinGen allele CA412011455.